The following is an entry in ClinVar:

NM_013339.4(ALG6):c.370T>G (p.Tyr124Asp)

Gene: ALG6 (ALG6 alpha-1,3-glucosyltransferase; plus strand). Cytogenetic location: 1p31.3.
Variant type: single nucleotide variant.
Coding change: c.370T>G on transcript NM_013339.4 (MANE Select); coding-DNA position 370, T replaced by G.
Protein change: p.Tyr124Asp; replaces tyrosine 124 with aspartic acid.
Molecular consequence: missense variant.
Genome position (GRCh38, 1-based): chr1:63,406,340, T>G. VCF-style: chr1-63406340-T-G. GRCh37 (hg19) VCF-style: chr1-63872011-T-G.
Other names: short protein forms Y124D.
Identifiers: ClinVar variation 875420 (VCV000875420.8), dbSNP rs562509297, ClinGen allele CA888156.
Genomic context (GRCh38, chr1:63,406,340, plus strand): 5'-TGGACTCATGTTTAAAGTTATTTACTTGTGTTTTCAGTTTTAATTGCTGATCTGCTGATT[T>G]ACATACCTGCAGTGGTTTTGTACTGTTGTTGCTTAAAAGAAATCTCAACTAAGAAAAAGG-3'
Protein context (NP_037471.2, residues 114-134): TTVLIADLLI[Tyr124Asp]IPAVVLYCCC

ClinVar aggregate classification (germline): Uncertain significance. Review status: criteria provided, multiple submitters, no conflicts (2 of 4 stars). 2 submissions from 2 submitters: Uncertain significance (2). Last evaluated 2022-02-04.

Conditions:
ALG6-congenital disorder of glycosylation 1C (CDG1C). Also called: CARBOHYDRATE-DEFICIENT GLYCOPROTEIN SYNDROME, TYPE I, WITH DEFICIENT GLYCOSYLATION OF DOLICHOL-LINKED OLIGOSACCHARIDE; CARBOHYDRATE-DEFICIENT GLYCOPROTEIN SYNDROME, TYPE V; Congenital disorder of glycosylation type 1C; CDG Ic; Congenital disorder of glycosylation, type Ic. Identifiers: Orphanet 79320, MedGen C2930997, MONDO:0011291, OMIM 603147.

Allele frequency attached by ClinVar (database versions not stated): ExAC 0.00007; gnomAD exomes 0.00011; 1000 Genomes Project 30x 0.00016; 1000 Genomes Project 0.00020.
gnomAD v4.1: 66 of 1,613,380 alleles (0.0041%); highest among the groups gnomAD compares: South Asian, 0.071%; 1 homozygote.

Submissions (2):

Labcorp Genetics (formerly Invitae), Labcorp
Classification: Uncertain significance for ALG6-congenital disorder of glycosylation 1C. Last evaluated: 2022-02-04. Review status: criteria provided, single submitter. Criteria: Invitae Variant Classification Sherloc (09022015). Collection method: clinical testing. Allele origin: germline.
Comment: This sequence change replaces tyrosine, which is neutral and polar, with aspartic acid, which is acidic and polar, at codon 124 of the ALG6 protein (p.Tyr124Asp). This variant is present in population databases (rs562509297, gnomAD 0.08%), including at least one homozygous and/or hemizygous individual. This variant has not been reported in the literature in individuals affected with ALG6-related conditions. ClinVar contains an entry for this variant (Variation ID: 875420). Algorithms developed to predict the effect of missense changes on protein structure and function (SIFT, PolyPhen-2, Align-GVGD) all suggest that this variant is likely to be disruptive. In summary, the available evidence is currently insufficient to determine the role of this variant in disease. Therefore, it has been classified as a Variant of Uncertain Significance.

Illumina Laboratory Services, Illumina
Classification: Uncertain significance for ALG6-congenital disorder of glycosylation 1C. Last evaluated: 2018-01-12. Review status: criteria provided, single submitter. Criteria: ICSL Variant Classification Criteria 13 December 2019. Collection method: clinical testing. Allele origin: germline.